The following is an entry in ClinVar:

ClinVar aggregate classification (germline): Pathogenic. Review status: criteria provided, single submitter (1 of 4 stars). 2 submissions from 2 submitters: Pathogenic (1). 1 of the submissions does not count toward it. Last evaluated 2020-12-10.

Conditions:
Immunodeficiency 82 with systemic inflammation. Identifiers: Orphanet 695807, MedGen C5543581, MONDO:0030308, OMIM 619381.
Skin rash. Identifiers: MedGen C5779628, HP:0000988.
Arthritis. Identifiers: MedGen C0003864, MONDO:0005578, HP:0001369.
Immunodeficiency. Identifiers: MedGen C0021051, MONDO:0021094, HP:0002721.
Colitis. Identifiers: MedGen C0009319, MONDO:0005292, HP:0002583.
Decreased circulating immunoglobulin concentration. Also called: Decreased antibody level in blood; Decreased circulating antibody concentration. Identifiers: MedGen C4048270, HP:0004313.

Submissions (2):

Aleixo Muise Laboratory, Hospital For Sick Children
Classification: Pathogenic for Colitis; Skin rash; Decreased circulating immunoglobulin concentration; Immunodeficiency; Arthritis. Last evaluated: 2020-12-10. Review status: criteria provided, single submitter. Criteria: ACMG Guidelines, 2015. Collection method: research. Allele origin: de novo, not applicable. Inheritance: Sporadic. Affected: yes. Observed: 1 heterozygote. Functional consequence: protein gain of function.
Comment: de novo mutation (from TRIO WES)

OMIM
Classification: Pathogenic for IMMUNODEFICIENCY 82 WITH SYSTEMIC INFLAMMATION. Last evaluated: 2021-06-21. Review status: no assertion criteria provided. Collection method: literature only. Allele origin: germline. Not counted in ClinVar's aggregate classification.

Literature cited by the submitters: PubMed 33782605 (cited by OMIM).

NM_003177.7(SYK):c.1649C>A (p.Ser550Tyr)

Gene: SYK (spleen associated tyrosine kinase; plus strand). Cytogenetic location: 9q22.2.
Variant type: single nucleotide variant.
Coding change: c.1649C>A on transcript NM_003177.7 (MANE Select); coding-DNA position 1649, C replaced by A.
Protein change: p.Ser550Tyr; replaces serine 550 with tyrosine.
Molecular consequence: missense variant.
Genome position (GRCh38, 1-based): chr9:90,887,816, C>A. VCF-style: chr9-90887816-C-A. GRCh37 (hg19) VCF-style: chr9-93650098-C-A.
Other names: c.1580C>A, p.Ser527Tyr (NM_001135052.4, NM_001174168.3); c.1649C>A, p.Ser550Tyr (NM_001174167.3); short protein forms S527Y, S550Y.
Identifiers: ClinVar variation 989389 (VCV000989389.5), dbSNP rs1828636794, ClinGen allele CA373803082.
Genomic context (GRCh38, chr9:90,887,816, plus strand): 5'-CCCATGGAAAGTGGCCTGTCAAGTGGTACGCTCCGGAATGCATCAACTACTACAAGTTCT[C>A]CAGCAAAAGCGATGTCTGGAGCTTTGGAGTGTTGATGTGGGAAGCATTCTCCTATGGGCA-3'
Protein context (NP_003168.2, residues 540-560): APECINYYKF[Ser550Tyr]SKSDVWSFGV